The following is an entry in ClinVar:

NM_007294.4(BRCA1):c.5193+14G>C

Gene: BRCA1 (BRCA1 DNA repair associated; minus strand). Cytogenetic location: 17q21.31.
Variant type: single nucleotide variant.
Coding change: c.5193+14G>C on transcript NM_007294.4 (MANE Select); 14 bases into the intron after coding-DNA position 5193, G replaced by C.
Molecular consequence: intron variant.
Genome position (GRCh38, 1-based): chr17:43,063,319, C>G on the plus strand (G>C on the coding strand, the complement: BRCA1 is on the minus strand). VCF-style: chr17-43063319-C-G. GRCh37 (hg19) VCF-style: chr17-41215336-C-G.
Other names: c.1740+14G>C (NM_001408458.1, NM_001408461.1, NM_001408464.1 and 7 more transcripts); c.4302+14G>C (NM_001407967.1); c.4812+14G>C (NM_001407959.1); c.4926+14G>C (NM_001407931.1, NM_001407932.1, NM_001407928.1 and 4 more transcripts); c.5049+14G>C (NM_001407747.1, NM_001407745.1, NM_001407737.1 and 21 more transcripts); c.4809+14G>C (NM_001407962.1, NM_001407960.1); c.1380+14G>C (NM_001408512.1); c.1503+14G>C (NM_001408510.1); and 72 more.
Identifiers: ClinVar variation 868141 (VCV000868141.3), dbSNP rs2051850932, ClinGen allele CA916080013.
Genomic context (GRCh38, chr17:43,063,319, plus strand): 5'-GAAGGAAGCAAATACATTTTTAACTATATGACTGAATGAATATCTCTGGTTAGTTTGTAA[C>G]ATCAAGTACTTACCTCATTCAGCATTTTTCTTTCTTTAATAGACTGGGTCACCCCTAAAG-3'

Conditions:
Breast-ovarian cancer, familial, susceptibility to, 1 (BROVCA1). Also called: BRCA1 Hereditary Breast and Ovarian Cancer; OVARIAN CANCER, SUSCEPTIBILITY TO. Identifiers: Orphanet 145, MedGen C2676676, MONDO:0011450, OMIM 604370. Disease mechanism: loss of function.

Submission:

Brotman Baty Institute, University of Washington
No classification provided (evidence only). Condition: Breast-ovarian cancer, familial 1. Review status: no classification provided. Collection method: in vitro. Allele origin: not applicable. Functional consequence: functionally_normal.
ClinVar note: "not provided" was previously submitted as the classification for the variant. However, the classification appeared to be based only on an observation of functional data so it was converted to no classification on 2025-07-30.